The following is an entry in ClinVar:

ClinVar aggregate classification (germline): Conflicting classifications of pathogenicity. Review status: criteria provided, conflicting classifications (1 of 4 stars). 6 submissions from 6 submitters: Likely pathogenic (3); Uncertain significance (3). Last evaluated 2026-09-19.

Conditions:
Cardioencephalomyopathy, fatal infantile, due to cytochrome c oxidase deficiency 1 (MC4DN2). Also called: MITOCHONDRIAL COMPLEX IV DEFICIENCY, NUCLEAR TYPE 2; CYTOCHROME c OXIDASE DEFICIENCY, FATAL INFANTILE, WITH CARDIOENCEPHALOMYOPATHY. Identifiers: Orphanet 1561, MedGen C5399977, MONDO:0011451, OMIM 604377.

Allele frequency attached by ClinVar (database versions not stated): ExAC 0.00002; gnomAD exomes 0.00003; 1000 Genomes Project 0.00040; 1000 Genomes Project 30x 0.00047.
gnomAD v4.1: 22 of 1,612,560 alleles (0.0014%); highest among the groups gnomAD compares: African/African-American, 0.019%; no homozygotes.

Submissions (6):

GeneDx
Classification: Likely pathogenic. Last evaluated: 2026-09-19. Review status: criteria provided, single submitter. Criteria: GeneDx Variant Classification Process June 2021. Collection method: clinical testing. Allele origin: germline.
Comment: In silico analysis supports that this missense variant has a deleterious effect on protein structure/function; This variant is associated with the following publications: (PMID: 30340907, 34732400, 34362006, 39472908, 38703036)

Myriad Genetics, Inc.
Classification: Uncertain significance for Cardioencephalomyopathy, fatal infantile, due to cytochrome c oxidase deficiency 1. Last evaluated: 2025-10-15. Review status: criteria provided, single submitter. Criteria: Myriad Autosomal Dominant, Autosomal Recessive and X-Linked Classification Criteria (2023). Collection method: clinical testing. Allele origin: unknown.
Comment: NM_005138.2(SCO2):c.281T>C(L94P) is a missense variant classified as a variant of uncertain significance in the context of mitochondrial complex IV deficiency, SCO2-related. L94P has been observed in cases with relevant disease (PMID: 34362006, 34732400, 38703036). Relevant functional assessments of this variant are not available in the literature. L94P has been observed in referenced population frequency databases. In summary, there is insufficient evidence to classify NM_005138.2(SCO2):c.281T>C(L94P) as pathogenic or benign. Please note: this variant was assessed in the context of healthy population screening.

Baylor Genetics
Classification: Likely pathogenic for Cardioencephalomyopathy, fatal infantile, due to cytochrome c oxidase deficiency 1. Last evaluated: 2024-03-05. Review status: criteria provided, single submitter. Criteria: ACMG Guidelines, 2015. Collection method: clinical testing. Allele origin: unknown.

Service de Génétique Médicale, Centre Hospitalier Universitaire de Nice-Université Côte d'Azur
Classification: Likely pathogenic for Cardioencephalomyopathy, fatal infantile, due to cytochrome c oxidase deficiency 1. Last evaluated: 2024-02-27. Review status: criteria provided, single submitter. Criteria: ACMG Guidelines, 2015. Collection method: clinical testing. Allele origin: germline. Affected: yes.

Women's Health and Genetics/Laboratory Corporation of America, LabCorp
Classification: Uncertain significance. Last evaluated: 2023-05-05. Review status: criteria provided, single submitter. Criteria: LabCorp Variant Classification Summary - May 2015. Collection method: clinical testing. Allele origin: germline.
Comment: Variant summary: SCO2 c.281T>C (p.Leu94Pro) results in a non-conservative amino acid change located in the Thioredoxin domain (IPR013766) of the encoded protein sequence. Five of five in-silico tools predict a damaging effect of the variant on protein function. The variant allele was found at a frequency of 2.8e-05 in 248648 control chromosomes. c.281T>C has been reported in the literature in individuals affected with Mitochondrial disorder (Schon_2021, Rubegni_2018). These data indicate that the variant may be associated with disease. To our knowledge, no experimental evidence demonstrating an impact on protein function has been reported. The following publications have been ascertained in the context of this evaluation (PMID: 34732400, 34362006, 30340907). Three clinical diagnostic laboratories have submitted clinical-significance assessments for this variant to ClinVar after 2014 and classified as VUS (n=2) and Likely Pathogenic (n=1). Based on the evidence outlined above, the variant was classified as VUS-possibly pathogenic.

Labcorp Genetics (formerly Invitae), Labcorp
Classification: Uncertain significance. Last evaluated: 2022-05-07. Review status: criteria provided, single submitter. Criteria: Invitae Variant Classification Sherloc (09022015). Collection method: clinical testing. Allele origin: germline.
Comment: This sequence change replaces leucine, which is neutral and non-polar, with proline, which is neutral and non-polar, at codon 94 of the SCO2 protein (p.Leu94Pro). This variant is present in population databases (rs138294250, gnomAD 0.04%). This variant has not been reported in the literature in individuals affected with SCO2-related conditions. ClinVar contains an entry for this variant (Variation ID: 1219241). Algorithms developed to predict the effect of missense changes on protein structure and function are either unavailable or do not agree on the potential impact of this missense change (SIFT: "Deleterious"; PolyPhen-2: "Probably Damaging"; Align-GVGD: "Class C0"). In summary, the available evidence is currently insufficient to determine the role of this variant in disease. Therefore, it has been classified as a Variant of Uncertain Significance.

Literature cited by the submitters: PubMed 34362006 (cited by Myriad Genetics, Inc. and Women's Health and Genetics/Laboratory Corporation of America, LabCorp); PubMed 34732400 (cited by Myriad Genetics, Inc. and Women's Health and Genetics/Laboratory Corporation of America, LabCorp); PubMed 38703036 (cited by Myriad Genetics, Inc. and Service de Génétique Médicale, Centre Hospitalier Universitaire de Nice-Université Côte d'Azur); PubMed 30340907 (cited by Women's Health and Genetics/Laboratory Corporation of America, LabCorp).

NM_005138.3(SCO2):c.281T>C (p.Leu94Pro)

Genes: NCAPH2 (non-SMC condensin II complex subunit H2; plus strand), SCO2 (synthesis of cytochrome C oxidase 2; minus strand). Cytogenetic location: 22q13.33.
Variant type: single nucleotide variant.
Coding change: c.281T>C on transcript NM_005138.3 (MANE Select); coding-DNA position 281, T replaced by C.
Protein change: p.Leu94Pro; replaces leucine 94 with proline.
Molecular consequence: missense variant. On other transcripts: 3 prime UTR variant (2).
Genome position (GRCh38, 1-based): chr22:50,524,131, A>G on the plus strand (T>C on the coding strand, the complement: SCO2 is on the minus strand). VCF-style: chr22-50524131-A-G. GRCh37 (hg19) VCF-style: chr22-50962560-A-G.
Other names: c.*756A>G (NM_001185011.2, NM_152299.4); c.281T>C, p.Leu94Pro (NM_001169109.2, NM_001169110.1, NM_001169111.2); short protein forms L94P.
Identifiers: ClinVar variation 1219241 (VCV001219241.12), dbSNP rs138294250, ClinGen allele CA10321245.